The following is an entry in ClinVar:

ClinVar aggregate classification (germline): Uncertain significance (1 of 4 stars; one submission).

Conditions:
Tuberous sclerosis 2 (TSC2). Identifiers: Orphanet 805, MedGen C1860707, MONDO:0013199, OMIM 613254.

Submission:

Labcorp Genetics (formerly Invitae), Labcorp
Classification: Uncertain significance for Tuberous sclerosis 2. Last evaluated: 2025-05-21. Review status: criteria provided, single submitter. Criteria: Invitae Variant Classification Sherloc (09022015). Collection method: clinical testing. Allele origin: germline.
Comment: This sequence change replaces proline, which is neutral and non-polar, with alanine, which is neutral and non-polar, at codon 543 of the TSC2 protein (p.Pro543Ala). This variant is not present in population databases (gnomAD no frequency). This variant has not been reported in the literature in individuals affected with TSC2-related conditions. ClinVar contains an entry for this variant (Variation ID: 2057227). Invitae Evidence Modeling of protein sequence and biophysical properties (such as structural, functional, and spatial information, amino acid conservation, physicochemical variation, residue mobility, and thermodynamic stability) indicates that this missense variant is not expected to disrupt TSC2 protein function with a negative predictive value of 95%. In summary, the available evidence is currently insufficient to determine the role of this variant in disease. Therefore, it has been classified as a Variant of Uncertain Significance.

NM_000548.5(TSC2):c.1627C>G (p.Pro543Ala)

Gene: TSC2 (TSC complex subunit 2; plus strand). Cytogenetic location: 16p13.3.
Variant type: single nucleotide variant.
Coding change: c.1627C>G on transcript NM_000548.5 (MANE Select); coding-DNA position 1627, C replaced by G.
Protein change: p.Pro543Ala; replaces proline 543 with alanine.
Molecular consequence: missense variant.
Genome position (GRCh38, 1-based): chr16:2,065,546, C>G. VCF-style: chr16-2065546-C-G. GRCh37 (hg19) VCF-style: chr16-2115547-C-G.
Other names: c.1717C>G, p.Pro573Ala (NM_001406668.1, NM_001406667.1); c.1516C>G, p.Pro506Ala (NM_001406670.1, NM_001406678.1, NM_001318827.2); c.1615C>G, p.Pro539Ala (NM_001406671.1, NM_001406673.1); c.1480C>G, p.Pro494Ala (NM_001406675.1, NM_001406676.1, NM_001406679.1 and 1 more transcripts); c.1570C>G, p.Pro524Ala (NM_001406677.1); c.1027C>G, p.Pro343Ala (NM_001406680.1, NM_001318831.2, NM_001406682.1 and 6 more transcripts); c.1627C>G, p.Pro543Ala (NM_001077183.3, NM_001114382.3, NM_001363528.2 and 6 more transcripts); c.1660C>G, p.Pro554Ala (NM_001318832.2); and 3 more; short protein forms P343A, P389A, P506A, P524A, P543A, P554A, P494A, P539A.
Identifiers: ClinVar variation 2057227 (VCV002057227.4), dbSNP rs1060500944, ClinGen allele CA394267740.